The following is an entry in ClinVar:

NM_002860.4(ALDH18A1):c.1780G>A (p.Val594Ile)

Gene: ALDH18A1 (aldehyde dehydrogenase 18 family member A1; minus strand). Cytogenetic location: 10q24.1.
Variant type: single nucleotide variant.
Coding change: c.1780G>A on transcript NM_002860.4 (MANE Select); coding-DNA position 1780, G replaced by A.
Protein change: p.Val594Ile; replaces valine 594 with isoleucine.
Molecular consequence: missense variant.
Genome position (GRCh38, 1-based): chr10:95,613,987, C>T on the plus strand (G>A on the coding strand, the complement: ALDH18A1 is on the minus strand). VCF-style: chr10-95613987-C-T. GRCh37 (hg19) VCF-style: chr10-97373744-C-T.
Other names: c.1774G>A, p.Val592Ile (NM_001017423.2, NM_001323415.2); c.1447G>A, p.Val483Ile (NM_001323412.2, NM_001323416.2); c.1780G>A, p.Val594Ile (NM_001323413.2, NM_001323414.2); c.1675G>A, p.Val559Ile (NM_001323417.2); c.1441G>A, p.Val481Ile (NM_001323418.2); c.1144G>A, p.Val382Ile (NM_001323419.2); short protein forms V481I, V483I, V559I, V594I, V382I, V592I.
Identifiers: ClinVar variation 2928043 (VCV002928043.4), dbSNP rs41291564, ClinGen allele CA5620234.
Genomic context (GRCh38, chr10:95,613,987, plus strand): 5'-ATTTCTCCGTTGTGAAAGAGAAGACCCCATCCAGCTCACCTAGCCTGGTGACCTTATCAA[C>T]ACTGGCCTCGGAATCCACATACATGTGACAGATCCCTTCGCTGTGCCCCATCACTGGAAT-3'
Protein context (NP_002851.2, residues 584-604): CHMYVDSEAS[Val594Ile]DKVTRLVRDS

ClinVar aggregate classification (germline): Uncertain significance. Review status: criteria provided, multiple submitters, no conflicts (2 of 4 stars). 2 submissions from 2 submitters: Uncertain significance (2). Last evaluated 2025-03-05.

Conditions:
Cutis laxa, autosomal dominant 3 (ADCL3). Identifiers: Orphanet 90348, MedGen C4225268, MONDO:0014706, OMIM 616603.
Autosomal dominant spastic paraplegia type 9. Identifiers: MedGen C1832669, MONDO:0015091.
de Barsy syndrome. Also called: Cutis laxa-corneal clouding-oligophrenia syndrome. Identifiers: Orphanet 2962, MedGen C0268354, MONDO:0017569.
ALDH18A1-related de Barsy syndrome. Also called: DE BARSY SYNDROME A; Cutis laxa, autosomal recessive IIIA. Identifiers: Orphanet 2962, Orphanet 35664, MedGen C5234852, MONDO:0009053, OMIM 219150.
Hereditary spastic paraplegia 9A. Also called: SPASTIC PARAPLEGIA 9A, AUTOSOMAL DOMINANT; SPASTIC PARAPARESIS WITH AMYOTROPHY, CATARACTS, AND GASTROESOPHAGEAL REFLUX; CATARACTS WITH MOTOR NEURONOPATHY, SHORT STATURE, AND SKELETAL ABNORMALITIES. Identifiers: Orphanet 100990, Orphanet 447753, MedGen C5568978, MONDO:0011006, OMIM 601162.
Autosomal recessive complex spastic paraplegia type 9B. Also called: Spastic paraplegia 9b, autosomal recessive. Identifiers: Orphanet 447760, MedGen C5568980, MONDO:0014702, OMIM 616586.

Allele frequency attached by ClinVar (database versions not stated): gnomAD exomes below 0.00001; ExAC 0.00001; gnomAD 0.00001; TOPMed 0.00001; 1000 Genomes Project 30x 0.00016.
gnomAD v4.1: 9 of 1,614,224 alleles (0.00056%); highest among the groups gnomAD compares: Non-Finnish European, 0.00076%; no homozygotes.

Submissions (2):

Labcorp Genetics (formerly Invitae), Labcorp
Classification: Uncertain significance for Autosomal dominant spastic paraplegia type 9; de Barsy syndrome; Cutis laxa, autosomal dominant 3. Last evaluated: 2025-03-05. Review status: criteria provided, single submitter. Criteria: Invitae Variant Classification Sherloc (09022015). Collection method: clinical testing. Allele origin: germline.
Comment: This sequence change replaces valine, which is neutral and non-polar, with isoleucine, which is neutral and non-polar, at codon 594 of the ALDH18A1 protein (p.Val594Ile). This variant is present in population databases (rs41291564, gnomAD 0.002%). This variant has not been reported in the literature in individuals affected with ALDH18A1-related conditions. ClinVar contains an entry for this variant (Variation ID: 2928043). Invitae Evidence Modeling of protein sequence and biophysical properties (such as structural, functional, and spatial information, amino acid conservation, physicochemical variation, residue mobility, and thermodynamic stability) indicates that this missense variant is not expected to disrupt ALDH18A1 protein function with a negative predictive value of 95%. In summary, the available evidence is currently insufficient to determine the role of this variant in disease. Therefore, it has been classified as a Variant of Uncertain Significance.

Fulgent Genetics
Classification: Uncertain significance for ALDH18A1-related de Barsy syndrome; Hereditary spastic paraplegia 9A; Autosomal recessive complex spastic paraplegia type 9B; Cutis laxa, autosomal dominant 3. Last evaluated: 2024-05-03. Review status: criteria provided, single submitter. Criteria: ACMG Guidelines, 2015. Collection method: clinical testing. Allele origin: germline.